The following is an entry in ClinVar:

ClinVar aggregate classification (germline): Benign/Likely benign. Review status: criteria provided, multiple submitters, no conflicts (2 of 4 stars). 3 submissions from 3 submitters: Benign (1); Likely benign (2). Last evaluated 2024-12-06.

Conditions:
Hereditary cancer-predisposing syndrome. Also called: Hereditary neoplastic syndrome; Hereditary Cancer Syndrome; Neoplastic Syndromes, Hereditary; Tumor predisposition. Identifiers: Orphanet 140162, MedGen C0027672, MeSH D009386, MONDO:0015356.
Familial adenomatous polyposis 1 (FAP1). Also called: POLYPOSIS, ADENOMATOUS INTESTINAL; FAMILIAL ADENOMATOUS POLYPOSIS 1, ATTENUATED. Identifiers: MedGen C2713442, MONDO:0021056, OMIM 175100. Disease mechanism: loss of function.

Allele frequency attached by ClinVar (database versions not stated): gnomAD exomes below 0.00001.
gnomAD v4.1: 1 of 1,614,012 alleles (0.000062%); highest among the groups gnomAD compares: Non-Finnish European, 0.000085%; no homozygotes.

Submissions (3):

Ambry Genetics
Classification: Likely benign for Hereditary cancer-predisposing syndrome. Last evaluated: 2024-12-06. Review status: criteria provided, single submitter. Criteria: Ambry Variant Classification Scheme 2023. Collection method: clinical testing. Allele origin: germline.

Myriad Genetics, Inc.
Classification: Benign for Familial adenomatous polyposis 1. Last evaluated: 2024-04-05. Review status: criteria provided, single submitter. Criteria: Myriad Autosomal Dominant, Autosomal Recessive and X-Linked Classification Criteria (2023). Collection method: clinical testing. Allele origin: unknown.
Comment: This variant is considered benign. This variant is a silent/synonymous amino acid change and it is not expected to impact splicing.

Color Diagnostics, LLC DBA Color Health
Classification: Likely benign for Hereditary cancer-predisposing syndrome. Last evaluated: 2021-12-20. Review status: criteria provided, single submitter. Criteria: ACMG Guidelines, 2015. Collection method: clinical testing. Allele origin: germline.

NM_000038.6(APC):c.6672C>T (p.Ile2224=)

Gene: APC (APC regulator of Wnt signaling pathway; plus strand). Cytogenetic location: 5q22.2.
Variant type: single nucleotide variant.
Coding change: c.6672C>T on transcript NM_000038.6 (MANE Select); coding-DNA position 6672, C replaced by T.
Protein change: p.Ile2224=; no amino-acid change (isoleucine 2224 retained).
Molecular consequence: synonymous variant. On other transcripts: non-coding transcript variant (2).
Genome position (GRCh38, 1-based): chr5:112,842,266, C>T. VCF-style: chr5-112842266-C-T. GRCh37 (hg19) VCF-style: chr5-112177963-C-T.
Other names: c.6672C>T, p.Ile2224= (NM_001127510.3, NM_001354895.2, NM_001407450.1); c.6618C>T, p.Ile2206= (NM_001127511.3); c.6726C>T, p.Ile2242= (NM_001354896.2, NM_001407447.1, NM_001407448.1 and 1 more transcripts); c.6702C>T, p.Ile2234= (NM_001354897.2); c.6597C>T, p.Ile2199= (NM_001354898.2); c.6588C>T, p.Ile2196= (NM_001354899.2); c.6549C>T, p.Ile2183= (NM_001354900.2); c.6495C>T, p.Ile2165= (NM_001354901.2, NM_001407453.1); and 12 more.
Identifiers: ClinVar variation 2773546 (VCV002773546.4), dbSNP rs1766272355, ClinGen allele CA446209903.